The following is an entry in ClinVar:

NM_001270974.2(HYDIN):c.8172G>A (p.Leu2724=)

Gene: HYDIN (HYDIN axonemal central pair apparatus protein; minus strand). Cytogenetic location: 16q22.2.
Variant type: single nucleotide variant.
Coding change: c.8172G>A on transcript NM_001270974.2 (MANE Select); coding-DNA position 8172, G replaced by A.
Protein change: p.Leu2724=; no amino-acid change (leucine 2724 retained).
Molecular consequence: synonymous variant.
Genome position (GRCh38, 1-based): chr16:70,908,694, C>T on the plus strand (G>A on the coding strand, the complement: HYDIN is on the minus strand). VCF-style: chr16-70908694-C-T. GRCh37 (hg19) VCF-style: chr16-70942597-C-T.
Identifiers: ClinVar variation 2646740 (VCV002646740.24), dbSNP rs797006444, ClinGen allele CA283509204.

ClinVar aggregate classification (germline): Likely benign (1 of 4 stars; one submission).

Submission:

CeGaT Center for Human Genetics Tuebingen
Classification: Likely benign. Last evaluated: 2024-03-01. Review status: criteria provided, single submitter. Criteria: CeGaT Center For Human Genetics Tuebingen Variant Classification Criteria Version 2. Collection method: clinical testing. Allele origin: germline. Affected: yes. Observed: 2 variant alleles.
Comment: HYDIN: PM2:Supporting, BP4, BP7